The following is an entry in ClinVar:

ClinVar aggregate classification (germline): Uncertain significance. Review status: criteria provided, single submitter (1 of 4 stars). 2 submissions from 2 submitters: Uncertain significance (1). 1 of the submissions does not count toward it. Last evaluated 2022-10-17.

Conditions:
Usher syndrome type 1 (USH1). Also called: RETINITIS PIGMENTOSA AND CONGENITAL DEAFNESS. Identifiers: Orphanet 231169, Orphanet 886, MedGen C1568247, MONDO:0010168, OMIM 276900.

gnomAD v4.1: 1 of 1,614,034 alleles (0.000062%); highest among the groups gnomAD compares: Non-Finnish European, 0.000085%; no homozygotes.

Submissions (2):

Labcorp Genetics (formerly Invitae), Labcorp
Classification: Uncertain significance. Last evaluated: 2022-10-17. Review status: criteria provided, single submitter. Criteria: Invitae Variant Classification Sherloc (09022015). Collection method: clinical testing. Allele origin: germline.
Comment: This sequence change replaces valine, which is neutral and non-polar, with leucine, which is neutral and non-polar, at codon 69 of the CDH23 protein (p.Val69Leu). This variant is present in population databases (no rsID available, gnomAD 0.0009%). This variant has not been reported in the literature in individuals affected with CDH23-related conditions. Advanced modeling of protein sequence and biophysical properties (such as structural, functional, and spatial information, amino acid conservation, physicochemical variation, residue mobility, and thermodynamic stability) performed at Invitae indicates that this missense variant is not expected to disrupt CDH23 protein function. In summary, the available evidence is currently insufficient to determine the role of this variant in disease. Therefore, it has been classified as a Variant of Uncertain Significance.

Natera, Inc.
Classification: Uncertain significance for Usher syndrome type 1. Last evaluated: 2025-01-23. Review status: no assertion criteria provided. Collection method: clinical testing. Allele origin: germline. Not counted in ClinVar's aggregate classification.

NM_022124.6(CDH23):c.205G>T (p.Val69Leu)

Genes: CDH23 (cadherin related 23; plus strand), CDH23-AS1 (CDH23 antisense RNA 1; minus strand). Cytogenetic location: 10q22.1.
Variant type: single nucleotide variant.
Coding change: c.205G>T on transcript NM_022124.6 (MANE Select); coding-DNA position 205, G replaced by T.
Protein change: p.Val69Leu; replaces valine 69 with leucine.
Molecular consequence: missense variant.
Genome position (GRCh38, 1-based): chr10:71,510,141, G>T. VCF-style: chr10-71510141-G-T. GRCh37 (hg19) VCF-style: chr10-73269898-G-T.
Other names: c.205G>T, p.Val69Leu (NM_001171930.2, NM_001171931.2, NM_001171932.2 and 1 more transcripts); c.205G>T (NM_022124.5); short protein forms V69L.
Identifiers: ClinVar variation 1932950 (VCV001932950.3), dbSNP rs563224115, ClinGen allele CA377114235.